The following is an entry in ClinVar:

ClinVar aggregate classification (germline): Benign/Likely benign. Review status: criteria provided, multiple submitters, no conflicts (2 of 4 stars). 5 submissions from 5 submitters: Benign (2); Likely benign (2). 1 of the submissions does not count toward it. Last evaluated 2026-01-23.

Conditions:
Long QT syndrome (LQTS). Identifiers: MedGen C0023976, MeSH D008133, MONDO:0002442. Disease mechanism: loss of function. Inheritance: Various modes of inheritance.
Cardiovascular phenotype. Identifiers: MedGen CN230736.
AKAP9-related disorder. Also called: AKAP9-related condition.
Long QT syndrome 11 (LQT11). Identifiers: Orphanet 101016, Orphanet 768, MedGen C2678483, MONDO:0012738, OMIM 611820.

Allele frequency attached by ClinVar (database versions not stated): gnomAD 0.00003; gnomAD exomes 0.00008 and 0.00012; ExAC 0.00009; TOPMed 0.00009.
gnomAD v4.1: 126 of 1,613,152 alleles (0.0078%); highest among the groups gnomAD compares: Admixed American, 0.035%; no homozygotes.

Submissions (5):

Labcorp Genetics (formerly Invitae), Labcorp
Classification: Likely benign for Long QT syndrome. Last evaluated: 2026-01-23. Review status: criteria provided, single submitter. Criteria: Invitae Variant Classification Sherloc (09022015). Collection method: clinical testing. Allele origin: germline.

Genome-Nilou Lab
Classification: Benign for Long QT syndrome 11. Last evaluated: 2021-12-05. Review status: criteria provided, single submitter. Criteria: ACMG Guidelines, 2015. Collection method: clinical testing. Allele origin: germline. Affected: no.

Ambry Genetics
Classification: Likely benign for Cardiovascular phenotype. Last evaluated: 2017-08-04. Review status: criteria provided, single submitter. Criteria: Ambry Variant Classification Scheme 2023. Collection method: clinical testing. Allele origin: germline.

GeneDx
Classification: Benign. Last evaluated: 2015-03-03. Review status: criteria provided, single submitter. Criteria: GeneDx Variant Classification Process June 2021. Collection method: clinical testing. Allele origin: germline. Affected: yes.

PreventionGenetics, part of Exact Sciences
Classification: Likely benign for AKAP9-related condition. Last evaluated: 2019-08-09. Review status: no assertion criteria provided. Collection method: clinical testing. Allele origin: germline. Not counted in ClinVar's aggregate classification.
Comment: This variant is classified as likely benign based on ACMG/AMP sequence variant interpretation guidelines (Richards et al. 2015 PMID: 25741868, with internal and published modifications).

NM_005751.5(AKAP9):c.4143G>A (p.Pro1381=)

Gene: AKAP9 (A-kinase anchoring protein 9; plus strand). Cytogenetic location: 7q21.2.
Variant type: single nucleotide variant.
Coding change: c.4143G>A on transcript NM_005751.5 (MANE Select); coding-DNA position 4143, G replaced by A.
Protein change: p.Pro1381=; no amino-acid change (proline 1381 retained).
Molecular consequence: synonymous variant.
Genome position (GRCh38, 1-based): chr7:92,023,004, G>A. VCF-style: chr7-92023004-G-A. GRCh37 (hg19) VCF-style: chr7-91652318-G-A.
Other names: c.4143G>A, p.Pro1381= (NM_147185.3).
Identifiers: ClinVar variation 519486 (VCV000519486.19), dbSNP rs754974720, ClinGen allele CA4336486.
Genomic context (GRCh38, chr7:92,023,004, plus strand): 5'-TGAGGCAGAGATCCACTGTTTACAGAAGAGGCTTCAAGCTGTTAGTGAGTCCACGGTTCC[G>A]CCAAGGTATTCATCTGCTTATAGCTTCATTCAACAGTATTTGTAGCTTTGTAACAATTAT-3'
Protein context (NP_005742.4, residues 1371-1391): RLQAVSESTV[Pro1381=]PSLPVDSVVI